The following is an entry in ClinVar:

NM_024529.5(CDC73):c.163T>C (p.Tyr55His)

Gene: CDC73 (cell division cycle 73; plus strand). Cytogenetic location: 1q31.2.
Variant type: single nucleotide variant.
Coding change: c.163T>C on transcript NM_024529.5 (MANE Select); coding-DNA position 163, T replaced by C.
Protein change: p.Tyr55His; replaces tyrosine 55 with histidine.
Molecular consequence: missense variant.
Genome position (GRCh38, 1-based): chr1:193,125,143, T>C. VCF-style: chr1-193125143-T-C. GRCh37 (hg19) VCF-style: chr1-193094273-T-C.
Other names: short protein forms Y55H.
Identifiers: ClinVar variation 4700634 (VCV004700634.1).

ClinVar aggregate classification (germline): Uncertain significance (1 of 4 stars; one submission).

Conditions:
Parathyroid carcinoma (PRTC). Also called: Parathyroid gland carcinoma; CDC73-Related Parathyroid Carcinoma. Identifiers: Orphanet 143, MedGen C0687150, MONDO:0012004, OMIM 608266, HP:0006780.

Submission:

Labcorp Genetics (formerly Invitae), Labcorp
Classification: Uncertain significance for Parathyroid carcinoma. Last evaluated: 2025-02-02. Review status: criteria provided, single submitter. Criteria: Invitae Variant Classification Sherloc (09022015). Collection method: clinical testing. Allele origin: germline.
Comment: This sequence change replaces tyrosine, which is neutral and polar, with histidine, which is basic and polar, at codon 55 of the CDC73 protein (p.Tyr55His). This variant is not present in population databases (gnomAD no frequency). This variant has not been reported in the literature in individuals affected with CDC73-related conditions. Invitae Evidence Modeling of protein sequence and biophysical properties (such as structural, functional, and spatial information, amino acid conservation, physicochemical variation, residue mobility, and thermodynamic stability) indicates that this missense variant is expected to disrupt CDC73 protein function with a positive predictive value of 80%. In summary, the available evidence is currently insufficient to determine the role of this variant in disease. Therefore, it has been classified as a Variant of Uncertain Significance.